The following is an entry in ClinVar:

NM_019885.4(CYP26B1):c.1006G>A (p.Gly336Ser)

Gene: CYP26B1 (cytochrome P450 family 26 subfamily B member 1; minus strand). Cytogenetic location: 2p13.2.
Variant type: single nucleotide variant.
Coding change: c.1006G>A on transcript NM_019885.4 (MANE Select); coding-DNA position 1006, G replaced by A.
Protein change: p.Gly336Ser; replaces glycine 336 with serine.
Molecular consequence: missense variant.
Genome position (GRCh38, 1-based): chr2:72,133,163, C>T on the plus strand (G>A on the coding strand, the complement: CYP26B1 is on the minus strand). VCF-style: chr2-72133163-C-T. GRCh37 (hg19) VCF-style: chr2-72360292-C-T.
Other names: c.781G>A, p.Gly261Ser (NM_001277742.2); short protein forms G261S, G336S.
Identifiers: ClinVar variation 4754435 (VCV004754435.1).

ClinVar aggregate classification (germline): Uncertain significance (1 of 4 stars; one submission).

gnomAD v4.1: 95 of 1,612,462 alleles (0.0059%); highest among the groups gnomAD compares: African/African-American, 0.045%; no homozygotes.

Submission:

Labcorp Genetics (formerly Invitae), Labcorp
Classification: Uncertain significance. Last evaluated: 2025-02-20. Review status: criteria provided, single submitter. Criteria: Invitae Variant Classification Sherloc (09022015). Collection method: clinical testing. Allele origin: germline.
Comment: This sequence change replaces glycine, which is neutral and non-polar, with serine, which is neutral and polar, at codon 336 of the CYP26B1 protein (p.Gly336Ser). This variant is present in population databases (rs199651471, gnomAD 0.04%). This variant has not been reported in the literature in individuals affected with CYP26B1-related conditions. Invitae Evidence Modeling of protein sequence and biophysical properties (such as structural, functional, and spatial information, amino acid conservation, physicochemical variation, residue mobility, and thermodynamic stability) indicates that this missense variant is not expected to disrupt CYP26B1 protein function with a negative predictive value of 95%. In summary, the available evidence is currently insufficient to determine the role of this variant in disease. Therefore, it has been classified as a Variant of Uncertain Significance.